The following is an entry in ClinVar:

ClinVar aggregate classification (germline): Uncertain significance. Review status: criteria provided, multiple submitters, no conflicts (2 of 4 stars). 2 submissions from 2 submitters: Uncertain significance (2). Last evaluated 2024-08-23.

Conditions:
Episodic ataxia type 2 (EA2). Also called: ACETAZOLAMIDE-RESPONSIVE HEREDITARY PAROXYSMAL CEREBELLAR ATAXIA; CEREBELLAR ATAXIA, PAROXYSMAL, ACETAZOLAMIDE-RESPONSIVE; CEREBELLOPATHY, HEREDITARY PAROXYSMAL; EPISODIC ATAXIA, NYSTAGMUS-ASSOCIATED; ATAXIA, EPISODIC, WITH NYSTAGMUS; ATAXIA, FAMILIAL PAROXYSMAL. Identifiers: Orphanet 97, MedGen C1720416, MONDO:0007163, OMIM 108500.
Developmental and epileptic encephalopathy, 42 (DEE42A). Also called: DEVELOPMENTAL AND EPILEPTIC ENCEPHALOPATHY 42A; EPILEPTIC ENCEPHALOPATHY, EARLY INFANTILE, 42A; Epileptic encephalopathy, early infantile, 42. Identifiers: MedGen C4310716, MONDO:0014917, OMIM 617106.

Allele frequency attached by ClinVar (database versions not stated): gnomAD 0.00001; gnomAD exomes 0.00001; 1000 Genomes Project 30x 0.00016; 1000 Genomes Project 0.00020.
gnomAD v4.1: 9 of 1,585,246 alleles (0.00057%); highest among the groups gnomAD compares: African/African-American, 0.0014%; no homozygotes.

Submissions (2):

GeneDx
Classification: Uncertain significance. Last evaluated: 2024-08-23. Review status: criteria provided, single submitter. Criteria: GeneDx Variant Classification Process June 2021. Collection method: clinical testing. Allele origin: germline. Affected: yes.
Comment: Not observed at significant frequency in large population cohorts (gnomAD); In silico analysis supports that this missense variant has a deleterious effect on protein structure/function; Has not been previously published as pathogenic or benign to our knowledge

Labcorp Genetics (formerly Invitae), Labcorp
Classification: Uncertain significance for Developmental and epileptic encephalopathy, 42; Episodic ataxia type 2. Last evaluated: 2019-06-09. Review status: criteria provided, single submitter. Criteria: Invitae Variant Classification Sherloc (09022015). Collection method: clinical testing. Allele origin: germline.
Comment: In summary, the available evidence is currently insufficient to determine the role of this variant in disease. Therefore, it has been classified as a Variant of Uncertain Significance. Algorithms developed to predict the effect of missense changes on protein structure and function (SIFT, PolyPhen-2, Align-GVGD) all suggest that this variant is likely to be tolerated, but these predictions have not been confirmed by published functional studies and their clinical significance is uncertain. This variant has not been reported in the literature in individuals with CACNA1A-related disease. This variant is present in population databases (rs374764234, ExAC 0.01%). This sequence change replaces methionine with valine at codon 531 of the CACNA1A protein (p.Met531Val). The methionine residue is highly conserved and there is a small physicochemical difference between methionine and valine.

NM_001127222.2(CACNA1A):c.1588A>G (p.Met530Val)

Gene: CACNA1A (calcium voltage-gated channel subunit alpha1 A; minus strand). Cytogenetic location: 19p13.13.
Variant type: single nucleotide variant.
Coding change: c.1588A>G on transcript NM_001127222.2 (MANE Select); coding-DNA position 1588, A replaced by G.
Protein change: p.Met530Val; replaces methionine 530 with valine.
Molecular consequence: missense variant.
Genome position (GRCh38, 1-based): chr19:13,312,749, T>C on the plus strand (A>G on the coding strand, the complement: CACNA1A is on the minus strand). VCF-style: chr19-13312749-T-C. GRCh37 (hg19) VCF-style: chr19-13423563-T-C.
Other names: c.1591A>G, p.Met531Val (NM_000068.4, NM_001127221.2, NM_001174080.2 and 1 more transcripts); short protein forms M531V, M530V.
Identifiers: ClinVar variation 574961 (VCV000574961.11), dbSNP rs374764234, ClinGen allele CA9240780.